The following is an entry in ClinVar:

NM_003482.4(KMT2D):c.10055A>G (p.Asn3352Ser)

Gene: KMT2D (lysine methyltransferase 2D; minus strand). Cytogenetic location: 12q13.12.
Variant type: single nucleotide variant.
Coding change: c.10055A>G on transcript NM_003482.4 (MANE Select); coding-DNA position 10055, A replaced by G.
Protein change: p.Asn3352Ser; replaces asparagine 3352 with serine.
Molecular consequence: missense variant.
Genome position (GRCh38, 1-based): chr12:49,037,301, T>C on the plus strand (A>G on the coding strand, the complement: KMT2D is on the minus strand). VCF-style: chr12-49037301-T-C. GRCh37 (hg19) VCF-style: chr12-49431084-T-C.
Other names: short protein forms N3352S.
Identifiers: ClinVar variation 2735853 (VCV002735853.3), dbSNP rs2120477009, ClinGen allele CA384732814.

ClinVar aggregate classification (germline): Uncertain significance (1 of 4 stars; one submission).

Conditions:
Kabuki syndrome. Also called: Kabuki make-up syndrome; NIIKAWA-KUROKI SYNDROME. Identifiers: Orphanet 2322, MedGen C0796004, MONDO:0016512.

gnomAD v4.1: 2 of 1,613,458 alleles (0.00012%); highest among the groups gnomAD compares: Middle Eastern, 0.016%; no homozygotes.

Submission:

Labcorp Genetics (formerly Invitae), Labcorp
Classification: Uncertain significance for Kabuki syndrome. Last evaluated: 2024-03-05. Review status: criteria provided, single submitter. Criteria: Invitae Variant Classification Sherloc (09022015). Collection method: clinical testing. Allele origin: germline.
Comment: This sequence change replaces asparagine, which is neutral and polar, with serine, which is neutral and polar, at codon 3352 of the KMT2D protein (p.Asn3352Ser). This variant is not present in population databases (gnomAD no frequency). This missense change has been observed in individual(s) with developmental delay (PMID: 29276005). Advanced modeling of protein sequence and biophysical properties (such as structural, functional, and spatial information, amino acid conservation, physicochemical variation, residue mobility, and thermodynamic stability) performed at Invitae indicates that this missense variant is not expected to disrupt KMT2D protein function with a negative predictive value of 95%. In summary, the available evidence is currently insufficient to determine the role of this variant in disease. Therefore, it has been classified as a Variant of Uncertain Significance.

Literature cited by the submitters: PubMed 29276005.